The following is an entry in ClinVar:

ClinVar aggregate classification (germline): Likely benign (1 of 4 stars; one submission).

Allele frequency attached by ClinVar (database versions not stated): TOPMed below 0.00001; ExAC 0.00001; gnomAD exomes 0.00001; ESP Exome Variant Server 0.00008.

Submission:

CeGaT Center for Human Genetics Tuebingen
Classification: Likely benign. Last evaluated: 2022-06-01. Review status: criteria provided, single submitter. Criteria: CeGaT Center For Human Genetics Tuebingen Variant Classification Criteria Version 2. Collection method: clinical testing. Allele origin: germline. Affected: yes. Observed: 1 variant allele.
Comment: SETD5: BP4, BP7

NM_001080517.3(SETD5):c.2019A>G (p.Pro673=)

Gene: SETD5 (SET domain containing 5; plus strand). Cytogenetic location: 3p25.3.
Variant type: single nucleotide variant.
Coding change: c.2019A>G on transcript NM_001080517.3 (MANE Select); coding-DNA position 2019, A replaced by G.
Protein change: p.Pro673=; no amino-acid change (proline 673 retained).
Molecular consequence: synonymous variant.
Genome position (GRCh38, 1-based): chr3:9,447,922, A>G. VCF-style: chr3-9447922-A-G. GRCh37 (hg19) VCF-style: chr3-9489606-A-G.
Other names: c.1725A>G, p.Pro575= (NM_001292043.2, NM_001349451.2).
Identifiers: ClinVar variation 1695060 (VCV001695060.31), dbSNP rs373778653, ClinGen allele CA2239339.
Genomic context (GRCh38, chr3:9,447,922, plus strand): 5'-TAACAGTTTAGTAACTCCTACTGAAGCTGGAAGTCTAGACAGTTCAGGAGAAAACAGGCC[A>G]TTAACAGGGTCTGACCCAACTGTGGTGTCAATTACTGGATCCCATGTCAACCGTGCTGCA-3'
Protein context (NP_001073986.1, residues 663-683): GSLDSSGENR[Pro673=]LTGSDPTVVS